The following is an entry in ClinVar:

NM_182643.3(DLC1):c.617C>T (p.Pro206Leu)

Gene: DLC1 (DLC1 Rho GTPase activating protein; minus strand). Cytogenetic location: 8p22.
Variant type: single nucleotide variant.
Coding change: c.617C>T on transcript NM_182643.3 (MANE Select); coding-DNA position 617, C replaced by T.
Protein change: p.Pro206Leu; replaces proline 206 with leucine.
Molecular consequence: missense variant. On other transcripts: 5 prime UTR variant (1).
Genome position (GRCh38, 1-based): chr8:13,499,455, G>A on the plus strand (C>T on the coding strand, the complement: DLC1 is on the minus strand). VCF-style: chr8-13499455-G-A. GRCh37 (hg19) VCF-style: chr8-13356964-G-A.
Other names: c.617C>T, p.Pro206Leu (NM_001348081.2, NM_001413124.1, NM_001413125.1 and 1 more transcripts); c.-835C>T (NM_001348082.2); c.617C>T (NM_182643.2); short protein forms P206L.
Identifiers: ClinVar variation 3595225 (VCV003595225.4).

ClinVar aggregate classification (germline): Uncertain significance. Review status: criteria provided, multiple submitters, no conflicts (2 of 4 stars). 3 submissions from 3 submitters: Uncertain significance (3). Last evaluated 2025-11-29.

Conditions:
Colorectal cancer. Also called: Colorectal cancer, somatic; Malignant Colorectal Neoplasm. Identifiers: MedGen C0346629, MONDO:0005575, OMIM 114500.

gnomAD v4.1: 14 of 1,613,832 alleles (0.00087%); highest among the groups gnomAD compares: Admixed American, 0.0017%; no homozygotes.

Submissions (3):

Labcorp Genetics (formerly Invitae), Labcorp
Classification: Uncertain significance. Last evaluated: 2025-11-29. Review status: criteria provided, single submitter. Criteria: Invitae Variant Classification Sherloc (09022015). Collection method: clinical testing. Allele origin: germline.
Comment: This sequence change replaces proline, which is neutral and non-polar, with leucine, which is neutral and non-polar, at codon 206 of the DLC1 protein (p.Pro206Leu). This variant is present in population databases (rs778738896, gnomAD 0.003%). This variant has not been reported in the literature in individuals affected with DLC1-related conditions. ClinVar contains an entry for this variant (Variation ID: 3595225). An algorithm developed to predict the effect of missense changes on protein structure and function (PolyPhen-2) suggests that this variant is likely to be tolerated. In summary, the available evidence is currently insufficient to determine the role of this variant in disease. Therefore, it has been classified as a Variant of Uncertain Significance.

Ambry Genetics
Classification: Uncertain significance. Last evaluated: 2025-06-12. Review status: criteria provided, single submitter. Criteria: Ambry Variant Classification Scheme 2023. Collection method: clinical testing. Allele origin: germline.

Fulgent Genetics
Classification: Uncertain significance for Colorectal cancer. Last evaluated: 2024-04-04. Review status: criteria provided, single submitter. Criteria: ACMG Guidelines, 2015. Collection method: clinical testing. Allele origin: germline.